The following is an entry in ClinVar:

NM_001256012.3(MYH10):c.4513G>A (p.Ala1505Thr)

Gene: MYH10 (myosin heavy chain 10; minus strand). Cytogenetic location: 17p13.1.
Variant type: single nucleotide variant.
Coding change: c.4513G>A on transcript NM_001256012.3 (MANE Select); coding-DNA position 4513, G replaced by A.
Protein change: p.Ala1505Thr; replaces alanine 1505 with threonine.
Molecular consequence: missense variant.
Genome position (GRCh38, 1-based): chr17:8,492,455, C>T on the plus strand (G>A on the coding strand, the complement: MYH10 is on the minus strand). VCF-style: chr17-8492455-C-T. GRCh37 (hg19) VCF-style: chr17-8395773-C-T.
Other names: c.4447G>A, p.Ala1483Thr (NM_001256095.2); c.4450G>A, p.Ala1484Thr (NM_001375266.1); c.4420G>A, p.Ala1474Thr (NM_005964.5); short protein forms A1474T, A1483T, A1484T, A1505T.
Identifiers: ClinVar variation 3776669 (VCV003776669.1).

ClinVar aggregate classification (germline): Uncertain significance (1 of 4 stars; one submission).

gnomAD v4.1: 1 of 1,612,654 alleles (0.000062%); highest among the groups gnomAD compares: Non-Finnish European, 0.000085%; no homozygotes.

Submission:

GeneDx
Classification: Uncertain significance. Last evaluated: 2024-10-02. Review status: criteria provided, single submitter. Criteria: GeneDx Variant Classification Process June 2021. Collection method: clinical testing. Allele origin: germline. Affected: yes.
Comment: Not observed at significant frequency in large population cohorts (gnomAD); In silico analysis supports that this missense variant has a deleterious effect on protein structure/function; Has not been previously published as pathogenic or benign to our knowledge